The following is an entry in ClinVar:

ClinVar aggregate classification (germline): Uncertain significance (1 of 4 stars; one submission).

Conditions:
Cohen syndrome (COH1). Also called: PEPPER SYNDROME; Cutis verticis gyrata, retinitis pigmentosa, and sensorineural deafness. Identifiers: Orphanet 193, MedGen C0265223, MONDO:0008999, OMIM 216550.

gnomAD v4.1: 4 of 1,613,386 alleles (0.00025%); highest among the groups gnomAD compares: Admixed American, 0.0017%; no homozygotes.

Submission:

Labcorp Genetics (formerly Invitae), Labcorp
Classification: Uncertain significance for Cohen syndrome. Last evaluated: 2024-11-05. Review status: criteria provided, single submitter. Criteria: Invitae Variant Classification Sherloc (09022015). Collection method: clinical testing. Allele origin: germline.
Comment: This sequence change replaces proline, which is neutral and non-polar, with leucine, which is neutral and non-polar, at codon 2319 of the VPS13B protein (p.Pro2319Leu). This variant is not present in population databases (gnomAD no frequency). This variant has not been reported in the literature in individuals affected with VPS13B-related conditions. ClinVar contains an entry for this variant (Variation ID: 1440336). Invitae Evidence Modeling of protein sequence and biophysical properties (such as structural, functional, and spatial information, amino acid conservation, physicochemical variation, residue mobility, and thermodynamic stability) indicates that this missense variant is expected to disrupt VPS13B protein function with a positive predictive value of 80%. In summary, the available evidence is currently insufficient to determine the role of this variant in disease. Therefore, it has been classified as a Variant of Uncertain Significance.

NM_152564.5(VPS13B):c.6881C>T (p.Pro2294Leu)

Gene: VPS13B (vacuolar protein sorting 13 homolog B; plus strand). Cytogenetic location: 8q22.2.
Variant type: single nucleotide variant.
Coding change: c.6881C>T on transcript NM_152564.5 (MANE Select); coding-DNA position 6881, C replaced by T.
Protein change: p.Pro2294Leu; replaces proline 2294 with leucine.
Molecular consequence: missense variant.
Genome position (GRCh38, 1-based): chr8:99,720,878, C>T. VCF-style: chr8-99720878-C-T. GRCh37 (hg19) VCF-style: chr8-100733106-C-T.
Other names: c.6956C>T, p.Pro2319Leu (NM_017890.5); short protein forms P2319L, P2294L.
Identifiers: ClinVar variation 1440336 (VCV001440336.6), dbSNP rs1833104493, ClinGen allele CA371868208.